The following is an entry in ClinVar:

ClinVar aggregate classification (germline): Uncertain significance. Review status: criteria provided, multiple submitters, no conflicts (2 of 4 stars). 5 submissions from 5 submitters: Uncertain significance (5). Last evaluated 2024-11-13.

Conditions:
Glycogen storage disease XV (GSD15). Also called: GLYCOGENIN DEFICIENCY; GSD XV. Identifiers: Orphanet 263297, MedGen C3150754, MONDO:0013291, OMIM 613507.
Polyglucosan body myopathy type 2. Identifiers: Orphanet 456369, MedGen C4015452, MONDO:0014526, OMIM 616199.

Allele frequency attached by ClinVar (database versions not stated): ESP Exome Variant Server 0.00023; TOPMed 0.00032; gnomAD exomes 0.00036 and 0.00065; gnomAD 0.00038 and 0.00041; ExAC 0.00040.
gnomAD v4.1: 998 of 1,613,832 alleles (0.062%); highest among the groups gnomAD compares: Non-Finnish European, 0.079%; 2 homozygotes.

Submissions (5):

Blueprint Genetics
Classification: Uncertain significance. Last evaluated: 2024-11-13. Review status: criteria provided, single submitter. Criteria: ACMG Guidelines, 2015. Collection method: clinical testing. Allele origin: germline.

Labcorp Genetics (formerly Invitae), Labcorp
Classification: Uncertain significance for Polyglucosan body myopathy type 2; Glycogen storage disease XV. Last evaluated: 2022-10-13. Review status: criteria provided, single submitter. Criteria: Invitae Variant Classification Sherloc (09022015). Collection method: clinical testing. Allele origin: germline.
Comment: This sequence change replaces glycine, which is neutral and non-polar, with glutamic acid, which is acidic and polar, at codon 23 of the GYG1 protein (p.Gly23Glu). This variant is present in population databases (rs112622137, gnomAD 0.07%). This variant has not been reported in the literature in individuals affected with GYG1-related conditions. ClinVar contains an entry for this variant (Variation ID: 969811). Advanced modeling of protein sequence and biophysical properties (such as structural, functional, and spatial information, amino acid conservation, physicochemical variation, residue mobility, and thermodynamic stability) has been performed at Invitae for this missense variant, however the output from this modeling did not meet the statistical confidence thresholds required to predict the impact of this variant on GYG1 protein function. In summary, the available evidence is currently insufficient to determine the role of this variant in disease. Therefore, it has been classified as a Variant of Uncertain Significance.

Mayo Clinic Laboratories, Mayo Clinic
Classification: Uncertain significance. Last evaluated: 2021-12-27. Review status: criteria provided, single submitter. Criteria: ACMG Guidelines, 2015. Collection method: clinical testing. Allele origin: germline.

Fulgent Genetics
Classification: Uncertain significance for Glycogen storage disease XV; Polyglucosan body myopathy type 2. Last evaluated: 2021-12-13. Review status: criteria provided, single submitter. Criteria: ACMG Guidelines, 2015. Collection method: clinical testing. Allele origin: unknown.

GeneDx
Classification: Uncertain significance. Last evaluated: 2020-04-09. Review status: criteria provided, single submitter. Criteria: GeneDx Variant Classification Process June 2021. Collection method: clinical testing. Allele origin: germline. Affected: yes.
Comment: In silico analysis supports that this missense variant has a deleterious effect on protein structure/function; Has not been previously published as pathogenic or benign to our knowledge

NM_004130.4(GYG1):c.68G>A (p.Gly23Glu)

Gene: GYG1 (glycogenin 1; plus strand). Cytogenetic location: 3q24.
Variant type: single nucleotide variant.
Coding change: c.68G>A on transcript NM_004130.4 (MANE Select); coding-DNA position 68, G replaced by A.
Protein change: p.Gly23Glu; replaces glycine 23 with glutamic acid.
Molecular consequence: missense variant.
Genome position (GRCh38, 1-based): chr3:148,994,202, G>A. VCF-style: chr3-148994202-G-A. GRCh37 (hg19) VCF-style: chr3-148711989-G-A.
Other names: c.68G>A, p.Gly23Glu (NM_001184720.2, NM_001184721.2); short protein forms G23E.
Identifiers: ClinVar variation 969811 (VCV000969811.15), dbSNP rs112622137, ClinGen allele CA2658449.